The following is an entry in ClinVar:

NM_001079866.2(BCS1L):c.1118C>A (p.Ala373Glu)

Gene: BCS1L (BCS1 homolog, ubiquinol-cytochrome c reductase complex chaperone; plus strand). Cytogenetic location: 2q35.
Variant type: single nucleotide variant.
Coding change: c.1118C>A on transcript NM_001079866.2 (MANE Select); coding-DNA position 1118, C replaced by A.
Protein change: p.Ala373Glu; replaces alanine 373 with glutamic acid.
Molecular consequence: missense variant. On other transcripts: non-coding transcript variant (1).
Genome position (GRCh38, 1-based): chr2:218,663,244, C>A. VCF-style: chr2-218663244-C-A. GRCh37 (hg19) VCF-style: chr2-219527967-C-A.
Other names: c.1118C>A, p.Ala373Glu (NM_001257342.2, NM_001257343.2, NM_001257344.2 and 10 more transcripts); c.758C>A, p.Ala253Glu (NM_001318836.2, NM_001371451.1); c.617C>A, p.Ala206Glu (NM_001371452.1, NM_001371453.1, NM_001371454.1 and 3 more transcripts); short protein forms A206E, A253E, A373E.
Identifiers: ClinVar variation 1990152 (VCV001990152.1), dbSNP rs2469898161, ClinGen allele CA350631934.

ClinVar aggregate classification (germline): Uncertain significance (1 of 4 stars; one submission).

Submission:

Labcorp Genetics (formerly Invitae), Labcorp
Classification: Uncertain significance. Last evaluated: 2022-07-09. Review status: criteria provided, single submitter. Criteria: Invitae Variant Classification Sherloc (09022015). Collection method: clinical testing. Allele origin: germline.
Comment: This sequence change replaces alanine, which is neutral and non-polar, with glutamic acid, which is acidic and polar, at codon 373 of the BCS1L protein (p.Ala373Glu). This variant is not present in population databases (gnomAD no frequency). This variant has not been reported in the literature in individuals affected with BCS1L-related conditions. Advanced modeling of protein sequence and biophysical properties (such as structural, functional, and spatial information, amino acid conservation, physicochemical variation, residue mobility, and thermodynamic stability) performed at Invitae indicates that this missense variant is not expected to disrupt BCS1L protein function. In summary, the available evidence is currently insufficient to determine the role of this variant in disease. Therefore, it has been classified as a Variant of Uncertain Significance.